The following is an entry in ClinVar:

NM_213599.3(ANO5):c.2699T>A (p.Met900Lys)

Gene: ANO5 (anoctamin 5; plus strand). Cytogenetic location: 11p14.3.
Variant type: single nucleotide variant.
Coding change: c.2699T>A on transcript NM_213599.3 (MANE Select); coding-DNA position 2699, T replaced by A.
Protein change: p.Met900Lys; replaces methionine 900 with lysine.
Molecular consequence: missense variant.
Genome position (GRCh38, 1-based): chr11:22,279,722, T>A. VCF-style: chr11-22279722-T-A. GRCh37 (hg19) VCF-style: chr11-22301268-T-A.
Other names: c.2696T>A, p.Met899Lys (NM_001142649.2); short protein forms M899K, M900K.
Identifiers: ClinVar variation 1302261 (VCV001302261.2), dbSNP rs1395263508, ClinGen allele CA379925412.

ClinVar aggregate classification (germline): Uncertain significance (1 of 4 stars; one submission).

Submission:

GeneDx
Classification: Uncertain significance. Last evaluated: 2019-04-05. Review status: criteria provided, single submitter. Criteria: GeneDx Variant Classification Process June 2021. Collection method: clinical testing. Allele origin: germline. Affected: yes.
Comment: Has not been previously published as pathogenic or benign to our knowledge; Not observed in large population cohorts (Lek et al., 2016); In silico analysis, which includes protein predictors and evolutionary conservation, supports that this variant does not alter protein structure/function